The following is an entry in ClinVar:

ClinVar aggregate classification (germline): Uncertain significance. Review status: criteria provided, multiple submitters, no conflicts (2 of 4 stars). 2 submissions from 2 submitters: Uncertain significance (2). Last evaluated 2026-01-05.

Conditions:
Hereditary cancer-predisposing syndrome. Also called: Neoplastic Syndromes, Hereditary; Hereditary neoplastic syndrome; Hereditary Cancer Syndrome; Tumor predisposition. Identifiers: Orphanet 140162, MedGen C0027672, MeSH D009386, MONDO:0015356.
Ataxia-telangiectasia syndrome (AT). Also called: ATAXIA-TELANGIECTASIA, FRESNO VARIANT; Ataxia-telangiectasia, complementation group D; Cerebello-oculocutaneous telangiectasia; Immunodeficiency with ataxia telangiectasia; Ataxia-telangiectasia; Ataxia telangiectasia (A-T). Identifiers: Orphanet 100, MedGen C0004135, MONDO:0008840, OMIM 208900.

Allele frequency attached by ClinVar (database versions not stated): gnomAD exomes below 0.00001.
gnomAD v4.1: 1 of 1,613,806 alleles (0.000062%); highest among the groups gnomAD compares: Non-Finnish European, 0.000085%; no homozygotes.

Submissions (2):

Labcorp Genetics (formerly Invitae), Labcorp
Classification: Uncertain significance for Ataxia-telangiectasia syndrome. Last evaluated: 2026-01-05. Review status: criteria provided, single submitter. Criteria: Invitae Variant Classification Sherloc (09022015). Collection method: clinical testing. Allele origin: germline.
Comment: This sequence change replaces phenylalanine, which is neutral and non-polar, with serine, which is neutral and polar, at codon 1749 of the ATM protein (p.Phe1749Ser). This variant is not present in population databases (gnomAD no frequency). This variant has not been reported in the literature in individuals affected with ATM-related conditions. ClinVar contains an entry for this variant (Variation ID: 653500). Invitae Evidence Modeling of protein sequence and biophysical properties (such as structural, functional, and spatial information, amino acid conservation, physicochemical variation, residue mobility, and thermodynamic stability) has been performed for this missense variant. However, the output from this modeling did not meet the statistical confidence thresholds required to predict the impact of this variant on ATM protein function. In summary, the available evidence is currently insufficient to determine the role of this variant in disease. Therefore, it has been classified as a Variant of Uncertain Significance.

Ambry Genetics
Classification: Uncertain significance for Hereditary cancer-predisposing syndrome. Last evaluated: 2025-05-21. Review status: criteria provided, single submitter. Criteria: Ambry Variant Classification Scheme 2023. Collection method: clinical testing. Allele origin: germline.
Comment: The p.F1749S variant (also known as c.5246T>C), located in coding exon 34 of the ATM gene, results from a T to C substitution at nucleotide position 5246. The phenylalanine at codon 1749 is replaced by serine, an amino acid with highly dissimilar properties. This amino acid position is highly conserved in available vertebrate species. In addition, this alteration is predicted to be deleterious by in silico analysis. Since supporting evidence is limited at this time, the clinical significance of this alteration remains unclear.

NM_000051.4(ATM):c.5246T>C (p.Phe1749Ser)

Gene: ATM (ATM serine/threonine kinase; plus strand). Cytogenetic location: 11q22.3.
Variant type: single nucleotide variant.
Coding change: c.5246T>C on transcript NM_000051.4 (MANE Select); coding-DNA position 5246, T replaced by C.
Protein change: p.Phe1749Ser; replaces phenylalanine 1749 with serine.
Molecular consequence: missense variant.
Genome position (GRCh38, 1-based): chr11:108,301,716, T>C. VCF-style: chr11-108301716-T-C. GRCh37 (hg19) VCF-style: chr11-108172443-T-C.
Other names: c.5246T>C, p.Phe1749Ser (NM_001351834.2); short protein forms F1749S.
Identifiers: ClinVar variation 653500 (VCV000653500.14), dbSNP rs1591708790, ClinGen allele CA382542445.